The following is an entry in ClinVar:

ClinVar aggregate classification (germline): Uncertain significance (1 of 4 stars; one submission).

Conditions:
Neurodevelopmental disorder with hypotonia, impaired language, and dysmorphic features. Also called: Intellectual disability, autosomal dominant 40. Identifiers: Orphanet 692193, MedGen C5676894, MONDO:0014699, OMIM 616579.

gnomAD v4.1: 1 of 1,614,032 alleles (0.000062%); no homozygotes.

Submission:

Neuberg Centre For Genomic Medicine, NCGM
Classification: Uncertain significance for Neurodevelopmental disorder with hypotonia, impaired language, and dysmorphic features. Review status: criteria provided, single submitter. Criteria: ACMG Guidelines, 2015. Collection method: clinical testing. Allele origin: germline. Inheritance: Autosomal dominant inheritance. Affected: yes.
Comment: The observed missense c.2044G>A(p.Val682Met) variant in CHAMP1 gene has not been reported previously as a pathogenic variant nor a benign variant, to our knowledge. The p.Val682Met variant is absent in gnomAD Exomes. This variant has not been submitted to the ClinVar database. The amino acid change p.Val682Met in CHAMP1 is predicted as conserved by GERP++ and PhyloP across 100 vertebrates. The amino acid Val at position 682 is changed to a Met changing protein sequence and it might alter its composition and physico-chemical properties. Computational evidence (Polyphen - Probably damaging, SIFT - Damaging and MutationTaster - Polymorphism) predicts conflicting evidence on protein structure and function for this variant. For these reasons, this variant has been classified as a Variant of Uncertain Significance (VUS).

NM_032436.4(CHAMP1):c.2044G>A (p.Val682Met)

Gene: CHAMP1 (chromosome alignment maintaining phosphoprotein 1; plus strand). Cytogenetic location: 13q34.
Variant type: single nucleotide variant.
Coding change: c.2044G>A on transcript NM_032436.4 (MANE Select); coding-DNA position 2044, G replaced by A.
Protein change: p.Val682Met; replaces valine 682 with methionine.
Molecular consequence: missense variant.
Genome position (GRCh38, 1-based): chr13:114,325,886, G>A. VCF-style: chr13-114325886-G-A. GRCh37 (hg19) VCF-style: chr13-115091361-G-A.
Other names: c.2044G>A, p.Val682Met (NM_001164144.3, NM_001164145.3); short protein forms V682M.
Identifiers: ClinVar variation 3242136 (VCV003242136.1), dbSNP rs2503204651.